The following is an entry in ClinVar:

ClinVar aggregate classification (germline): Conflicting classifications of pathogenicity. Review status: criteria provided, conflicting classifications (1 of 4 stars). 8 submissions from 7 submitters: Uncertain significance (3); Benign (1); Likely benign (2). 2 of the submissions do not count toward it. Last evaluated 2026-01-24.

Conditions:
PEX7-related disorder. Also called: PEX7-related condition; PEX7-related disorders. Identifiers: MedGen CN239409.
Rhizomelic chondrodysplasia punctata type 1 (RCDP1). Also called: PEROXISOME BIOGENESIS DISORDER 9; PEX7-Related Rhizomelic Chondrodysplasia Punctata; CHONDRODYSTROPHIA CALCIFICANS PUNCTATA. Identifiers: Orphanet 177, Orphanet 309789, MedGen C1859133, MONDO:0008972, OMIM 215100. Disease mechanism: loss of function.
Peroxisome biogenesis disorder 9B. Also called: PEX7-Related Refsum Disease; Refsum disease, adult, 2; PEROXISOME BIOGENESIS DISORDER, PEX7-RELATED, ATYPICAL. Identifiers: Orphanet 773, MedGen C2749346, MONDO:0013945, OMIM 614879.

Allele frequency attached by ClinVar (database versions not stated): TOPMed 0.00013; gnomAD 0.00054.
gnomAD v4.1: 459 of 1,578,064 alleles (0.029%); highest among the groups gnomAD compares: Non-Finnish European, 0.022%; 1 homozygote.

Submissions (8):

Labcorp Genetics (formerly Invitae), Labcorp
Classification: Benign for Peroxisome biogenesis disorder 9B. Last evaluated: 2026-01-24. Review status: criteria provided, single submitter. Criteria: Invitae Variant Classification Sherloc (09022015). Collection method: clinical testing. Allele origin: germline.

Blueprint Genetics
Classification: Likely benign. Last evaluated: 2024-11-12. Review status: criteria provided, single submitter. Criteria: ACMG Guidelines, 2015. Collection method: clinical testing. Allele origin: germline.

CeGaT Center for Human Genetics Tuebingen
Classification: Likely benign. Last evaluated: 2023-11-01. Review status: criteria provided, single submitter. Criteria: CeGaT Center For Human Genetics Tuebingen Variant Classification Criteria Version 2. Collection method: clinical testing. Allele origin: germline. Affected: yes. Observed: 3 variant alleles.
Comment: PEX7: BP4

Illumina Laboratory Services, Illumina
Classification: Uncertain significance for Rhizomelic chondrodysplasia punctata type 1. Last evaluated: 2018-01-13. Review status: criteria provided, single submitter. Criteria: ICSL Variant Classification Criteria 13 December 2019. Collection method: clinical testing. Allele origin: germline.

Illumina Laboratory Services, Illumina
Classification: Uncertain significance for Peroxisome biogenesis disorder 9B. Last evaluated: 2018-01-13. Review status: criteria provided, single submitter. Criteria: ICSL Variant Classification Criteria 13 December 2019. Collection method: clinical testing. Allele origin: germline.

Eurofins Ntd Llc (ga)
Classification: Uncertain significance. Last evaluated: 2016-11-22. Review status: criteria provided, single submitter. Criteria: EGL Classification Definitions 2015. Collection method: clinical testing. Allele origin: germline. Observed: 1 variant allele, 1 heterozygote.

PreventionGenetics, part of Exact Sciences
Classification: Likely benign for PEX7-related condition. Last evaluated: 2022-07-06. Review status: no assertion criteria provided. Collection method: clinical testing. Allele origin: germline. Not counted in ClinVar's aggregate classification.
Comment: This variant is classified as likely benign based on ACMG/AMP sequence variant interpretation guidelines (Richards et al. 2015 PMID: 25741868, with internal and published modifications).

Natera, Inc.
Classification: Uncertain significance for Rhizomelic chondrodysplasia punctata type 1. Last evaluated: 2020-01-17. Review status: no assertion criteria provided. Collection method: clinical testing. Allele origin: germline. Not counted in ClinVar's aggregate classification.

NM_000288.4(PEX7):c.418-4G>T

Gene: PEX7 (peroxisomal biogenesis factor 7; plus strand). Cytogenetic location: 6q23.3.
Variant type: single nucleotide variant.
Coding change: c.418-4G>T on transcript NM_000288.4 (MANE Select); 4 bases into the intron before coding-DNA position 418, G replaced by T.
Molecular consequence: intron variant.
Genome position (GRCh38, 1-based): chr6:136,846,069, G>T. VCF-style: chr6-136846069-G-T. GRCh37 (hg19) VCF-style: chr6-137167207-G-T.
Identifiers: ClinVar variation 355531 (VCV000355531.62), dbSNP rs199552223, ClinGen allele CA4017610.